The following is an entry in ClinVar:

ClinVar aggregate classification (germline): Uncertain significance (1 of 4 stars; one submission).

Conditions:
Hypertrophic cardiomyopathy. Also called: HYPERTROPHIC MYOCARDIOPATHY. Identifiers: Orphanet 217569, MedGen C0007194, MeSH D002312, MONDO:0005045, HP:0001639.

Submission:

Labcorp Genetics (formerly Invitae), Labcorp
Classification: Uncertain significance for Hypertrophic cardiomyopathy. Last evaluated: 2021-07-20. Review status: criteria provided, single submitter. Criteria: Invitae Variant Classification Sherloc (09022015). Collection method: clinical testing. Allele origin: germline.
Comment: This variant, c.1792_1797dup, results in the insertion of 2 amino acid(s) to the JPH2 protein (p.Ser598_Pro599dup), but otherwise preserves the integrity of the reading frame. This variant is not present in population databases (ExAC no frequency). This variant has not been reported in the literature in individuals with JPH2-related conditions. Experimental studies and prediction algorithms are not available or were not evaluated, and the functional significance of this variant is currently unknown. In summary, the available evidence is currently insufficient to determine the role of this variant in disease. Therefore, it has been classified as a Variant of Uncertain Significance.

NM_020433.5(JPH2):c.1792_1797dup (p.Ser598_Pro599dup)

Gene: JPH2 (junctophilin 2; minus strand). Cytogenetic location: 20q13.12.
Variant type: Duplication.
Coding change: c.1792_1797dup on transcript NM_020433.5 (MANE Select); coding-DNA positions 1792 to 1797, 6 bases duplicated (TCCCCG; older notation c.1792_1797dupTCCCCG).
Protein change: p.Ser598_Pro599dup.
Molecular consequence: inframe insertion.
Genome position (GRCh38, 1-based): chr20:44,115,878-44,115,883, CGGGGA duplicated on the plus strand (TCCCCG on the coding strand, the reverse complement: JPH2 is on the minus strand); duplicating any 6 consecutive bases within chr20:44,115,878-44,115,885 gives the same sequence; the c. name uses the placement nearest the transcript's 3' end. VCF-style (leftmost placement, unchanged base first): chr20-44115877-C-CCGGGGA. GRCh37 (hg19) VCF-style: chr20-42744517-C-CCGGGGA.
Identifiers: ClinVar variation 1504600 (VCV001504600.8), dbSNP rs2145838238, ClinGen allele CA2573157091.